The following is an entry in ClinVar:

ClinVar aggregate classification (germline): Uncertain significance. Review status: criteria provided, multiple submitters, no conflicts (2 of 4 stars). 2 submissions from 2 submitters: Uncertain significance (2). Last evaluated 2025-12-29.

Allele frequency attached by ClinVar (database versions not stated): gnomAD exomes below 0.00001.
gnomAD v4.1: 1 of 1,613,828 alleles (0.000062%); highest among the groups gnomAD compares: Non-Finnish European, 0.000085%; no homozygotes.

Submissions (2):

Center for Genomic Medicine, Rigshospitalet, Copenhagen University Hospital
Classification: Uncertain significance. Last evaluated: 2025-12-29. Review status: criteria provided, single submitter. Criteria: ACMG Guidelines, 2015. Collection method: clinical testing. Allele origin: germline.

Labcorp Genetics (formerly Invitae), Labcorp
Classification: Uncertain significance. Last evaluated: 2022-11-20. Review status: criteria provided, single submitter. Criteria: Invitae Variant Classification Sherloc (09022015). Collection method: clinical testing. Allele origin: germline.
Comment: In summary, the available evidence is currently insufficient to determine the role of this variant in disease. Therefore, it has been classified as a Variant of Uncertain Significance. Advanced modeling of protein sequence and biophysical properties (such as structural, functional, and spatial information, amino acid conservation, physicochemical variation, residue mobility, and thermodynamic stability) performed at Invitae indicates that this missense variant is not expected to disrupt POLE protein function. ClinVar contains an entry for this variant (Variation ID: 957511). This variant has not been reported in the literature in individuals affected with POLE-related conditions. This variant is not present in population databases (gnomAD no frequency). This sequence change replaces asparagine, which is neutral and polar, with threonine, which is neutral and polar, at codon 2123 of the POLE protein (p.Asn2123Thr).

NM_006231.4(POLE):c.6368A>C (p.Asn2123Thr)

Gene: POLE (DNA polymerase epsilon, catalytic subunit; minus strand). Cytogenetic location: 12q24.33.
Variant type: single nucleotide variant.
Coding change: c.6368A>C on transcript NM_006231.4 (MANE Select); coding-DNA position 6368, A replaced by C.
Protein change: p.Asn2123Thr; replaces asparagine 2123 with threonine.
Molecular consequence: missense variant.
Genome position (GRCh38, 1-based): chr12:132,626,280, T>G on the plus strand (A>C on the coding strand, the complement: POLE is on the minus strand). VCF-style: chr12-132626280-T-G. GRCh37 (hg19) VCF-style: chr12-133202866-T-G.
Other names: short protein forms N2123T.
Identifiers: ClinVar variation 957511 (VCV000957511.12), dbSNP rs2041838354, ClinGen allele CA387367796.